The following is an entry in ClinVar:

ClinVar aggregate classification (germline): Uncertain significance (1 of 4 stars; one submission).

Submission:

Labcorp Genetics (formerly Invitae), Labcorp
Classification: Uncertain significance. Last evaluated: 2024-09-02. Review status: criteria provided, single submitter. Criteria: Invitae Variant Classification Sherloc (09022015). Collection method: clinical testing. Allele origin: germline.
Comment: This sequence change replaces leucine, which is neutral and non-polar, with arginine, which is basic and polar, at codon 1515 of the POLE protein (p.Leu1515Arg). This variant is not present in population databases (gnomAD no frequency). This variant has not been reported in the literature in individuals affected with POLE-related conditions. ClinVar contains an entry for this variant (Variation ID: 573346). Invitae Evidence Modeling of protein sequence and biophysical properties (such as structural, functional, and spatial information, amino acid conservation, physicochemical variation, residue mobility, and thermodynamic stability) indicates that this missense variant is not expected to disrupt POLE protein function with a negative predictive value of 80%. In summary, the available evidence is currently insufficient to determine the role of this variant in disease. Therefore, it has been classified as a Variant of Uncertain Significance.

NM_006231.4(POLE):c.4544T>G (p.Leu1515Arg)

Gene: POLE (DNA polymerase epsilon, catalytic subunit; minus strand). Cytogenetic location: 12q24.33.
Variant type: single nucleotide variant.
Coding change: c.4544T>G on transcript NM_006231.4 (MANE Select); coding-DNA position 4544, T replaced by G.
Protein change: p.Leu1515Arg; replaces leucine 1515 with arginine.
Molecular consequence: missense variant.
Genome position (GRCh38, 1-based): chr12:132,643,231, A>C on the plus strand (T>G on the coding strand, the complement: POLE is on the minus strand). VCF-style: chr12-132643231-A-C. GRCh37 (hg19) VCF-style: chr12-133219817-A-C.
Other names: short protein forms L1515R.
Identifiers: ClinVar variation 573346 (VCV000573346.8), dbSNP rs570385857, ClinGen allele CA246304453.
Genomic context (GRCh38, chr12:132,643,231, plus strand): 5'-TTCCCCAAACCCTGCCCCAGCCAATGTGCTGCCATGGAGGGCCCAGGACTCACAGTGTCC[A>C]GCACAAAGACGGATGCCCTGCGCTGTGAGGGGATGAAGATCCCGAAGAGCGCTTTGTGGG-3'
Protein context (NP_006222.2, residues 1505-1525): PSQRRASVFV[Leu1515Arg]DTVRSNQMPS